The following is an entry in ClinVar:

ClinVar aggregate classification (germline): Conflicting classifications of pathogenicity. Review status: criteria provided, conflicting classifications (1 of 4 stars). 2 submissions from 2 submitters: Uncertain significance (1); Benign (1). Last evaluated 2025-03-02.

Conditions:
Adams-Oliver syndrome 5 (AOS5). Identifiers: Orphanet 974, MedGen C4014970, MONDO:0014459, OMIM 616028.
Familial thoracic aortic aneurysm and aortic dissection (TAAD). Also called: Thoracic aortic aneurysms and dissections. Identifiers: Orphanet 91387, MedGen C4707243, MONDO:0019625.

Allele frequency attached by ClinVar (database versions not stated): ExAC 0.00003; ESP Exome Variant Server 0.00008; gnomAD 0.00009 and 0.00011; TOPMed 0.00009.
gnomAD v4.1: 17 of 1,582,624 alleles (0.0011%); highest among the groups gnomAD compares: African/African-American, 0.021%; no homozygotes.

Submissions (2):

Labcorp Genetics (formerly Invitae), Labcorp
Classification: Benign for Adams-Oliver syndrome 5. Last evaluated: 2025-03-02. Review status: criteria provided, single submitter. Criteria: Invitae Variant Classification Sherloc (09022015). Collection method: clinical testing. Allele origin: germline.

Ambry Genetics
Classification: Uncertain significance for Familial thoracic aortic aneurysm and aortic dissection. Last evaluated: 2022-04-25. Review status: criteria provided, single submitter. Criteria: Ambry Variant Classification Scheme 2023. Collection method: clinical testing. Allele origin: germline.
Comment: The p.A1610S variant (also known as c.4828G>T), located in coding exon 26 of the NOTCH1 gene, results from a G to T substitution at nucleotide position 4828. The alanine at codon 1610 is replaced by serine, an amino acid with similar properties. This amino acid position is conserved. In addition, this alteration is predicted to be tolerated by in silico analysis. Since supporting evidence is limited at this time, the clinical significance of this alteration remains unclear.

NM_017617.5(NOTCH1):c.4828G>T (p.Ala1610Ser)

Gene: NOTCH1 (notch receptor 1; minus strand). Cytogenetic location: 9q34.3.
Variant type: single nucleotide variant.
Coding change: c.4828G>T on transcript NM_017617.5 (MANE Select); coding-DNA position 4828, G replaced by T.
Protein change: p.Ala1610Ser; replaces alanine 1610 with serine.
Molecular consequence: missense variant.
Genome position (GRCh38, 1-based): chr9:136,504,863, C>A on the plus strand (G>T on the coding strand, the complement: NOTCH1 is on the minus strand). VCF-style: chr9-136504863-C-A. GRCh37 (hg19) VCF-style: chr9-139399315-C-A.
Other names: c.4828G>T, p.Ala1610Ser (LRG_1122t1); short protein forms A1610S.
Identifiers: ClinVar variation 241143 (VCV000241143.10), dbSNP rs369467132, ClinGen allele CA5340507.